The following is an entry in ClinVar:

NM_004415.4(DSP):c.6859A>G (p.Thr2287Ala)

Gene: DSP (desmoplakin; plus strand). Cytogenetic location: 6p24.3.
Variant type: single nucleotide variant.
Coding change: c.6859A>G on transcript NM_004415.4 (MANE Select); coding-DNA position 6859, A replaced by G.
Protein change: p.Thr2287Ala; replaces threonine 2287 with alanine.
Molecular consequence: missense variant.
Genome position (GRCh38, 1-based): chr6:7,584,121, A>G. VCF-style: chr6-7584121-A-G. GRCh37 (hg19) VCF-style: chr6-7584354-A-G.
Other names: c.5062A>G, p.Thr1688Ala (NM_001008844.3); c.5530A>G, p.Thr1844Ala (NM_001319034.2); short protein forms T1688A, T2287A, T1844A.
Identifiers: ClinVar variation 2951626 (VCV002951626.3), dbSNP rs869025396, ClinGen allele CA362691714.

ClinVar aggregate classification (germline): Uncertain significance (1 of 4 stars; one submission).

Conditions:
Arrhythmogenic cardiomyopathy with wooly hair and keratoderma. Also called: PALMOPLANTAR KERATODERMA WITH LEFT VENTRICULAR CARDIOMYOPATHY AND WOOLLY HAIR; Carvajal syndrome; Dilated cardiomyopathy with woolly hair and keratoderma; Arrhythmogenic cardiomyopathy with woolly hair and keratoderma. Identifiers: Orphanet 65282, MedGen C1854063, MONDO:0011581, OMIM 605676.
Arrhythmogenic right ventricular dysplasia 8 (ARVD8). Also called: Arrhythmogenic Right Ventricular Dysplasia/Cardiomyopathy 8; ARRHYTHMOGENIC RIGHT VENTRICULAR DYSPLASIA, FAMILIAL, 8; ARRHYTHMOGENIC RIGHT VENTRICULAR CARDIOMYOPATHY 8. Identifiers: MedGen C1843896, MONDO:0011831, OMIM 607450.

Allele frequency attached by ClinVar (database versions not stated): gnomAD exomes below 0.00001.
gnomAD v4.1: 2 of 1,614,156 alleles (0.00012%); highest among the groups gnomAD compares: Non-Finnish European, 0.00017%; no homozygotes.

Submission:

Labcorp Genetics (formerly Invitae), Labcorp
Classification: Uncertain significance for Arrhythmogenic cardiomyopathy with wooly hair and keratoderma; Arrhythmogenic right ventricular dysplasia 8. Last evaluated: 2023-09-05. Review status: criteria provided, single submitter. Criteria: Invitae Variant Classification Sherloc (09022015). Collection method: clinical testing. Allele origin: germline.
Comment: In summary, the available evidence is currently insufficient to determine the role of this variant in disease. Therefore, it has been classified as a Variant of Uncertain Significance. This sequence change replaces threonine, which is neutral and polar, with alanine, which is neutral and non-polar, at codon 2287 of the DSP protein (p.Thr2287Ala). This variant is not present in population databases (gnomAD no frequency). This variant has not been reported in the literature in individuals affected with DSP-related conditions. An algorithm developed to predict the effect of missense changes on protein structure and function (PolyPhen-2) suggests that this variant is likely to be disruptive.